The following is an entry in ClinVar:

NM_001829.4(CLCN3):c.562C>T (p.Pro188Ser)

Gene: CLCN3 (chloride voltage-gated channel 3; plus strand). Cytogenetic location: 4q33.
Variant type: single nucleotide variant.
Coding change: c.562C>T on transcript NM_001829.4 (MANE Select); coding-DNA position 562, C replaced by T.
Protein change: p.Pro188Ser; replaces proline 188 with serine.
Molecular consequence: missense variant.
Genome position (GRCh38, 1-based): chr4:169,689,186, C>T. VCF-style: chr4-169689186-C-T. GRCh37 (hg19) VCF-style: chr4-170610337-C-T.
Other names: c.562C>T, p.Pro188Ser (NM_001243372.2, NM_173872.4); c.481C>T, p.Pro161Ser (NM_001243374.2); short protein forms P161S, P188S.
Identifiers: ClinVar variation 1703268 (VCV001703268.2), dbSNP rs2477000591, ClinGen allele CA358737039.
Genomic context (GRCh38, chr4:169,689,186, plus strand): 5'-AACCACGAACAGTGCTGTTGGGGATCTAATGAAACAACATTTGAAGAGAGGGATAAATGT[C>T]CACAGTGGAAAACATGGGCAGAATTAATCATAGGTCAAGCAGAGGTAAGTCTTGCTTTGT-3'
Protein context (NP_001820.2, residues 178-198): ETTFEERDKC[Pro188Ser]QWKTWAELII

ClinVar aggregate classification (germline): Uncertain significance (1 of 4 stars; one submission).

Submission:

GeneDx
Classification: Uncertain significance. Last evaluated: 2022-02-23. Review status: criteria provided, single submitter. Criteria: GeneDx Variant Classification Process June 2021. Collection method: clinical testing. Allele origin: germline. Affected: yes.
Comment: Not observed at significant frequency in large population cohorts (gnomAD); In silico analysis supports that this missense variant does not alter protein structure/function; Has not been previously published as pathogenic or benign to our knowledge